The following is an entry in ClinVar:

NM_024580.6(EFL1):c.515A>G (p.Gln172Arg)

Gene: EFL1 (elongation factor like GTPase 1; minus strand). Cytogenetic location: 15q25.2.
Variant type: single nucleotide variant.
Coding change: c.515A>G on transcript NM_024580.6 (MANE Select); coding-DNA position 515, A replaced by G.
Protein change: p.Gln172Arg; replaces glutamine 172 with arginine.
Molecular consequence: missense variant. On other transcripts: 5 prime UTR variant (1), non-coding transcript variant (1).
Genome position (GRCh38, 1-based): chr15:82,240,419, T>C on the plus strand (A>G on the coding strand, the complement: EFL1 is on the minus strand). VCF-style: chr15-82240419-T-C. GRCh37 (hg19) VCF-style: chr15-82532760-T-C.
Other names: p.Gln172Arg; c.515A>G (NM_024580.5); c.362A>G, p.Gln121Arg (NM_001040610.3); c.-275A>G (NM_001322844.2); c.515A>G, p.Gln172Arg (NM_001322845.2); short protein forms Q121R, Q172R.
Identifiers: ClinVar variation 1025824 (VCV001025824.9), dbSNP rs200883252, ClinGen allele CA7698264.
Genomic context (GRCh38, chr15:82,240,419, plus strand): 5'-TAACTTCCTTACAACTCTTCTTCGTGGCTAAATTTTTTAAATACTAAAAATTAAAATACC[T>C]GTTCTAAAATATTCTTGAGGTGAGAATAGGCCTCTTGTGGGGTGAATTTCAGTTCCACTA-3'
Protein context (NP_078856.4, residues 162-182): AYSHLKNILE[Gln172Arg]INALTGTLFT

ClinVar aggregate classification (germline): Uncertain significance. Review status: criteria provided, multiple submitters, no conflicts (2 of 4 stars). 5 submissions from 5 submitters: Uncertain significance (5). Last evaluated 2025-04-03.

Conditions:
Inborn genetic diseases. Identifiers: MedGen C0950123, MeSH D030342.

Allele frequency attached by ClinVar (database versions not stated): 1000 Genomes Project 30x 0.00016; 1000 Genomes Project 0.00020; gnomAD exomes 0.00024 and 0.00037; ESP Exome Variant Server 0.00026; TOPMed 0.00035; gnomAD 0.00029; ExAC 0.00055.
gnomAD v4.1: 573 of 1,577,710 alleles (0.036%); highest among the groups gnomAD compares: Non-Finnish European, 0.045%; no homozygotes.

Submissions (6):

Mayo Clinic Laboratories, Mayo Clinic
Classification: Uncertain significance. Last evaluated: 2025-04-03. Review status: criteria provided, single submitter. Criteria: ACMG Guidelines, 2015. Collection method: clinical testing. Allele origin: germline. Observed: 2 variant alleles.
Comment: PP3

Blueprint Genetics
Classification: Uncertain significance. Last evaluated: 2024-11-08. Review status: criteria provided, single submitter. Criteria: ACMG Guidelines, 2015. Collection method: clinical testing. Allele origin: germline.

GeneDx
Classification: Uncertain significance. Last evaluated: 2024-03-24. Review status: criteria provided, single submitter. Criteria: GeneDx Variant Classification Process June 2021. Collection method: clinical testing. Allele origin: germline. Affected: yes.
Comment: In silico analysis supports that this missense variant has a deleterious effect on protein structure/function; Has not been previously published as pathogenic or benign in association with neurodevelopmental disorder to our knowledge; This variant is associated with the following publications: (PMID: 28719003, 26740555)

Labcorp Genetics (formerly Invitae), Labcorp
Classification: Uncertain significance. Last evaluated: 2022-10-17. Review status: criteria provided, single submitter. Criteria: Invitae Variant Classification Sherloc (09022015). Collection method: clinical testing. Allele origin: germline.
Comment: This sequence change replaces glutamine, which is neutral and polar, with arginine, which is basic and polar, at codon 172 of the EFL1 protein (p.Gln172Arg). This variant is present in population databases (rs200883252, gnomAD 0.04%). This variant has not been reported in the literature in individuals affected with EFL1-related conditions. ClinVar contains an entry for this variant (Variation ID: 1025824). Algorithms developed to predict the effect of missense changes on protein structure and function are either unavailable or do not agree on the potential impact of this missense change (SIFT: "Tolerated"; PolyPhen-2: "Not Available"; Align-GVGD: "Class C0"). In summary, the available evidence is currently insufficient to determine the role of this variant in disease. Therefore, it has been classified as a Variant of Uncertain Significance.

Ambry Genetics
Classification: Uncertain significance for Inborn genetic diseases. Last evaluated: 2022-01-28. Review status: criteria provided, single submitter. Criteria: Ambry Variant Classification Scheme 2023. Collection method: clinical testing. Allele origin: germline.

Dr. Peter K. Rogan Lab, Western University
No classification provided (evidence only). Condition: Adrenocortical carcinoma, hereditary. Review status: no classification provided. Collection method: in vitro. Allele origin: not applicable. Functional consequence: skipped exon, retained intron. Not counted in ClinVar's aggregate classification.